The following is an entry in ClinVar:

NM_001999.4(FBN2):c.3421G>A (p.Glu1141Lys)

Gene: FBN2 (fibrillin 2; minus strand). Cytogenetic location: 5q23.3.
Variant type: single nucleotide variant.
Coding change: c.3421G>A on transcript NM_001999.4 (MANE Select); coding-DNA position 3421, G replaced by A.
Protein change: p.Glu1141Lys; replaces glutamic acid 1141 with lysine.
Molecular consequence: missense variant.
Genome position (GRCh38, 1-based): chr5:128,338,984, C>T on the plus strand (G>A on the coding strand, the complement: FBN2 is on the minus strand). VCF-style: chr5-128338984-C-T. GRCh37 (hg19) VCF-style: chr5-127674676-C-T.
Other names: short protein forms E1141K.
Identifiers: ClinVar variation 2744196 (VCV002744196.3), dbSNP rs2479811818, ClinGen allele CA360759929.

ClinVar aggregate classification (germline): Uncertain significance (1 of 4 stars; one submission).

Conditions:
Congenital contractural arachnodactyly (CCA). Also called: BEALS SYNDROME; Beals-Hecht syndrome; Arthrogryposis, distal, type 9. Identifiers: Orphanet 115, MedGen C0220668, MONDO:0007363, OMIM 121050.

Allele frequency attached by ClinVar (database versions not stated): gnomAD exomes below 0.00001.
gnomAD v4.1: 4 of 1,614,078 alleles (0.00025%); highest among the groups gnomAD compares: Admixed American, 0.0017%; no homozygotes.

Submission:

Labcorp Genetics (formerly Invitae), Labcorp
Classification: Uncertain significance for Congenital contractural arachnodactyly. Last evaluated: 2025-03-31. Review status: criteria provided, single submitter. Criteria: Invitae Variant Classification Sherloc (09022015). Collection method: clinical testing. Allele origin: germline.
Comment: This sequence change replaces glutamic acid, which is acidic and polar, with lysine, which is basic and polar, at codon 1141 of the FBN2 protein (p.Glu1141Lys). This variant is not present in population databases (gnomAD no frequency). This variant has not been reported in the literature in individuals affected with FBN2-related conditions. ClinVar contains an entry for this variant (Variation ID: 2744196). Invitae Evidence Modeling of protein sequence and biophysical properties (such as structural, functional, and spatial information, amino acid conservation, physicochemical variation, residue mobility, and thermodynamic stability) indicates that this missense variant is not expected to disrupt FBN2 protein function with a negative predictive value of 95%. In summary, the available evidence is currently insufficient to determine the role of this variant in disease. Therefore, it has been classified as a Variant of Uncertain Significance.